The following is an entry in ClinVar:

NM_004304.5(ALK):c.4036G>A (p.Gly1346Ser)

Gene: ALK (ALK receptor tyrosine kinase; minus strand). Cytogenetic location: 2p23.2.
Variant type: single nucleotide variant.
Coding change: c.4036G>A on transcript NM_004304.5 (MANE Select); coding-DNA position 4036, G replaced by A.
Protein change: p.Gly1346Ser; replaces glycine 1346 with serine.
Molecular consequence: missense variant.
Genome position (GRCh38, 1-based): chr2:29,197,579, C>T on the plus strand (G>A on the coding strand, the complement: ALK is on the minus strand). VCF-style: chr2-29197579-C-T. GRCh37 (hg19) VCF-style: chr2-29420445-C-T.
Other names: c.832G>A, p.Gly278Ser (NM_001353765.2); short protein forms G1346S, G278S.
Identifiers: ClinVar variation 1737239 (VCV001737239.3), dbSNP rs755843358, ClinGen allele CA1593700.

ClinVar aggregate classification (germline): Uncertain significance (1 of 4 stars; one submission).

Conditions:
Hereditary cancer-predisposing syndrome. Also called: Neoplastic Syndromes, Hereditary; Tumor predisposition; Hereditary Cancer Syndrome; Hereditary neoplastic syndrome. Identifiers: Orphanet 140162, MedGen C0027672, MeSH D009386, MONDO:0015356.

Allele frequency attached by ClinVar (database versions not stated): ExAC 0.00001.
gnomAD v4.1: 2 of 1,613,818 alleles (0.00012%); highest among the groups gnomAD compares: Non-Finnish European, 0.00017%; no homozygotes.

Submission:

Ambry Genetics
Classification: Uncertain significance for Hereditary cancer-predisposing syndrome. Last evaluated: 2024-07-01. Review status: criteria provided, single submitter. Criteria: Ambry Variant Classification Scheme 2023. Collection method: clinical testing. Allele origin: germline.
Comment: The p.G1346S variant (also known as c.4036G>A), located in coding exon 27 of the ALK gene, results from a G to A substitution at nucleotide position 4036. The glycine at codon 1346 is replaced by serine, an amino acid with similar properties. This amino acid position is highly conserved in available vertebrate species. In addition, the in silico prediction for this alteration is inconclusive. Based on the available evidence, the clinical significance of this variant remains unclear.